The following is an entry in ClinVar:

NM_000179.3(MSH6):c.3831C>T (p.Asp1277=)

Gene: MSH6 (mutS homolog 6; plus strand). Cytogenetic location: 2p16.3.
Variant type: single nucleotide variant.
Coding change: c.3831C>T on transcript NM_000179.3 (MANE Select); coding-DNA position 3831, C replaced by T.
Protein change: p.Asp1277=; no amino-acid change (aspartic acid 1277 retained).
Molecular consequence: synonymous variant.
Genome position (GRCh38, 1-based): chr2:47,806,481, C>T. VCF-style: chr2-47806481-C-T. GRCh37 (hg19) VCF-style: chr2-48033620-C-T.
Other names: c.3441C>T, p.Asp1147= (NM_001281492.2); c.2925C>T, p.Asp975= (NM_001281493.2, NM_001281494.2).
Identifiers: ClinVar variation 379033 (VCV000379033.12), dbSNP rs775752224, ClinGen allele CA072202.

ClinVar aggregate classification (germline): Benign/Likely benign. Review status: criteria provided, multiple submitters, no conflicts (2 of 4 stars). 4 submissions from 4 submitters: Benign (1); Likely benign (3). Last evaluated 2025-01-08.

Conditions:
Hereditary nonpolyposis colorectal neoplasms. Identifiers: MedGen C0009405, MeSH D003123.
Hereditary cancer-predisposing syndrome. Also called: Tumor predisposition; Hereditary neoplastic syndrome; Neoplastic Syndromes, Hereditary; Hereditary Cancer Syndrome. Identifiers: Orphanet 140162, MedGen C0027672, MeSH D009386, MONDO:0015356.
Lynch syndrome 5 (LYNCH5). Also called: Colorectal cancer, hereditary nonpolyposis, type 5; Hereditary non-polyposis colorectal cancer, type 5. Identifiers: Orphanet 144, MedGen C1833477, MONDO:0013710, OMIM 614350. Disease mechanism: loss of function.

Allele frequency attached by ClinVar (database versions not stated): ExAC 0.00001.

Submissions (4):

Myriad Genetics, Inc.
Classification: Benign for Lynch syndrome 5. Last evaluated: 2025-01-08. Review status: criteria provided, single submitter. Criteria: Myriad Autosomal Dominant, Autosomal Recessive and X-Linked Classification Criteria (2023). Collection method: clinical testing. Allele origin: unknown.
Comment: This variant is considered benign. This variant is a silent/synonymous amino acid change and it is not expected to impact splicing.

Labcorp Genetics (formerly Invitae), Labcorp
Classification: Likely benign for Hereditary nonpolyposis colorectal neoplasms. Last evaluated: 2023-09-18. Review status: criteria provided, single submitter. Criteria: Invitae Variant Classification Sherloc (09022015). Collection method: clinical testing. Allele origin: germline.

Ambry Genetics
Classification: Likely benign for Hereditary cancer-predisposing syndrome. Last evaluated: 2022-08-10. Review status: criteria provided, single submitter. Criteria: Ambry Variant Classification Scheme 2023. Collection method: clinical testing. Allele origin: germline.

GeneDx
Classification: Likely benign. Last evaluated: 2016-12-31. Review status: criteria provided, single submitter. Criteria: GeneDx Variant Classification (06012015). Collection method: clinical testing. Allele origin: germline. Affected: yes.
Comment: This variant is considered likely benign or benign based on one or more of the following criteria: it is a conservative change, it occurs at a poorly conserved position in the protein, it is predicted to be benign by multiple in silico algorithms, and/or has population frequency not consistent with disease.